The following is an entry in ClinVar:

NM_025179.4(PLXNA2):c.5401G>A (p.Ala1801Thr)

Gene: PLXNA2 (plexin A2; minus strand). Cytogenetic location: 1q32.2.
Variant type: single nucleotide variant.
Coding change: c.5401G>A on transcript NM_025179.4 (MANE Select); coding-DNA position 5401, G replaced by A.
Protein change: p.Ala1801Thr; replaces alanine 1801 with threonine.
Molecular consequence: missense variant.
Genome position (GRCh38, 1-based): chr1:208,028,867, C>T on the plus strand (G>A on the coding strand, the complement: PLXNA2 is on the minus strand). VCF-style: chr1-208028867-C-T. GRCh37 (hg19) VCF-style: chr1-208202212-C-T.
Other names: short protein forms A1801T.
Identifiers: ClinVar variation 5000015 (VCV005000015.1).

ClinVar aggregate classification (germline): Uncertain significance (1 of 4 stars; one submission).

Conditions:
PLXNA2-related disorder. Also called: PLXNA2-related condition.

Submission:

PreventionGenetics, part of Exact Sciences
Classification: Uncertain significance for PLXNA2-related condition. Last evaluated: 2025-08-07. Review status: criteria provided, single submitter. Criteria: ACMG Guidelines, 2015. Collection method: clinical testing. Allele origin: germline.
Comment: The PLXNA2 c.5401G>A variant is predicted to result in the amino acid substitution p.Ala1801Thr. To our knowledge, this variant has not been reported in the literature. This variant is reported in 0.00088% of alleles in individuals of European (Non-Finnish) descent in gnomAD. At this time, the clinical significance of this variant is uncertain due to the absence of conclusive functional and genetic evidence.